The following is an entry in ClinVar:

ClinVar aggregate classification (germline): Pathogenic. Review status: criteria provided, multiple submitters, no conflicts (2 of 4 stars). 2 submissions from 2 submitters: Pathogenic (2). Last evaluated 2026-03-24.

Conditions:
KMT2C-related NDD.

gnomAD v4.1: 2 of 1,614,134 alleles (0.00012%); highest among the groups gnomAD compares: Non-Finnish European, 0.00017%; no homozygotes.

Submissions (2):

GeneDx
Classification: Pathogenic. Last evaluated: 2026-03-24. Review status: criteria provided, single submitter. Criteria: GeneDx Variant Classification Process June 2021. Collection method: clinical testing. Allele origin: germline.
Comment: Nonsense variant predicted to result in protein truncation or nonsense mediated decay in a gene for which loss of function is a known mechanism of disease; This variant is associated with the following publications: (PMID: 25363768, 31981491, 31785789, 35982160, 35982159, 39013459, 22495309, 24859339)

Laboratory of Genetics, Children's Clinical University Hospital Latvia
Classification: Pathogenic for KMT2C-related NDD. Review status: criteria provided, single submitter. Criteria: ACMG Guidelines, 2015. Collection method: research. Allele origin: de novo. Affected: yes.

Literature cited by the submitters: PubMed 39013459 (cited by Laboratory of Genetics, Children's Clinical University Hospital Latvia).

NM_170606.3(KMT2C):c.14073C>A (p.Tyr4691Ter)

Gene: KMT2C (lysine methyltransferase 2C; minus strand). Cytogenetic location: 7q36.1.
Variant type: single nucleotide variant.
Coding change: c.14073C>A on transcript NM_170606.3 (MANE Select); coding-DNA position 14073, C replaced by A.
Protein change: p.Tyr4691Ter; replaces tyrosine 4691 with a stop codon.
Molecular consequence: nonsense.
Genome position (GRCh38, 1-based): chr7:152,145,254, G>T on the plus strand (C>A on the coding strand, the complement: KMT2C is on the minus strand). VCF-style: chr7-152145254-G-T. GRCh37 (hg19) VCF-style: chr7-151842339-G-T.
Other names: c.14073C>A (NM_170606.2); short protein forms Y4691*.
Identifiers: ClinVar variation 3236519 (VCV003236519.2).